The following is an entry in ClinVar:

NM_001079872.2(CUL4B):c.1106A>G (p.Gln369Arg)

Gene: CUL4B (cullin 4B; minus strand). Cytogenetic location: Xq24.
Variant type: single nucleotide variant.
Coding change: c.1106A>G on transcript NM_001079872.2 (MANE Select); coding-DNA position 1106, A replaced by G.
Protein change: p.Gln369Arg; replaces glutamine 369 with arginine.
Molecular consequence: missense variant.
Genome position (GRCh38, 1-based): chrX:120,544,181, T>C on the plus strand (A>G on the coding strand, the complement: CUL4B is on the minus strand). VCF-style: chrX-120544181-T-C. GRCh37 (hg19) VCF-style: chrX-119678036-T-C.
Other names: c.1121A>G, p.Gln374Arg (NM_001330624.2); c.572A>G, p.Gln191Arg (NM_001369145.1); c.1160A>G, p.Gln387Arg (NM_003588.4); short protein forms Q387R, Q191R, Q369R, Q374R.
Identifiers: ClinVar variation 465136 (VCV000465136.10), dbSNP rs1556213268, ClinGen allele CA414198602.

ClinVar aggregate classification (germline): Uncertain significance. Review status: criteria provided, multiple submitters, no conflicts (2 of 4 stars). 2 submissions from 2 submitters: Uncertain significance (2). Last evaluated 2025-11-10.

Conditions:
CUL4B-related disorder. Also called: CUL4B-related condition.
X-linked intellectual disability Cabezas type (MRXSC). Also called: CABEZAS SYNDROME; MENTAL RETARDATION, X-LINKED, SYNDROMIC 15; Intellectual developmental disorder, X-linked syndromic, Cabezas type. Identifiers: Orphanet 85289, Orphanet 85293, MedGen C1845861, MONDO:0010306, OMIM 300354.

Submissions (2):

PreventionGenetics, part of Exact Sciences
Classification: Uncertain significance for CUL4B-related condition. Last evaluated: 2025-11-10. Review status: criteria provided, single submitter. Criteria: ACMG Guidelines, 2015. Collection method: clinical testing. Allele origin: germline.
Comment: The CUL4B c.1160A>G variant is predicted to result in the amino acid substitution p.Gln387Arg. To our knowledge, this variant has not been reported in the literature or in a large population database (gnomAD), indicating this variant is rare. At this time, the clinical significance of this variant is uncertain due to the absence of conclusive functional and genetic evidence.

Labcorp Genetics (formerly Invitae), Labcorp
Classification: Uncertain significance for X-linked intellectual disability Cabezas type. Last evaluated: 2017-03-22. Review status: criteria provided, single submitter. Criteria: Invitae Variant Classification Sherloc (09022015). Collection method: clinical testing. Allele origin: germline.
Comment: This variant is not present in population databases (ExAC no frequency) and has not been reported in the literature in individuals with a CUL4B-related disease. In summary, this variant is a novel missense change that is not predicted to affect protein function. There is no indication that it causes disease, but the available evidence is currently insufficient to prove that conclusively. Therefore, it has been classified as a Variant of Uncertain Significance. Algorithms developed to predict the effect of missense changes on protein structure and function (SIFT, PolyPhen-2, Align-GVGD) all suggest that this variant is likely to be tolerated, but these predictions have not been confirmed by published functional studies. This sequence change replaces glutamine with arginine at codon 387 of the CUL4B protein (p.Gln387Arg). The glutamine residue is moderately conserved and there is a small physicochemical difference between glutamine and arginine.